The following is an entry in ClinVar:

NM_006180.6(NTRK2):c.184_187delinsT (p.Ser62_Val63delinsLeu)

Gene: NTRK2 (neurotrophic receptor tyrosine kinase 2; plus strand). Cytogenetic location: 9q21.33.
Variant type: Indel.
Coding change: c.184_187delinsT on transcript NM_006180.6 (MANE Select); coding-DNA positions 184 to 187, AGTG replaced by T.
Protein change: p.Ser62_Val63delinsLeu.
Molecular consequence: inframe indel.
Genome position (GRCh38, 1-based): chr9:84,670,932-84,670,935, AGTG replaced by T. VCF-style: chr9-84670932-AGTG-T. GRCh37 (hg19) VCF-style: chr9-87285847-AGTG-T.
Other names: c.184_187delinsT, p.Ser62_Val63delinsLeu (NM_001007097.3, NM_001018064.3, NM_001018065.2 and 18 more transcripts).
Identifiers: ClinVar variation 4823828 (VCV004823828.4).
Genomic context (GRCh38, chr9:84,670,932, plus strand): 5'-CGGATCTGGTGCAGCGACCCTTCTCCTGGCATCGTGGCATTTCCGAGATTGGAGCCTAAC[AGTG>T]TAGATCCTGAGAACATCACCGAAATGTGAGTTCCTGGAGCTTTTCCTCCTTTTTCTCCTT-3'

ClinVar aggregate classification (germline): Uncertain significance (1 of 4 stars; one submission).

Submission:

CeGaT Center for Human Genetics Tuebingen
Classification: Uncertain significance. Last evaluated: 2026-01-01. Review status: criteria provided, single submitter. Criteria: CeGaT Center For Human Genetics Tuebingen Variant Classification Criteria Version 2. Collection method: clinical testing. Allele origin: germline. Affected: yes. Observed: 1 variant allele.
Comment: NTRK2: PM2